The following is an entry in ClinVar:

NM_002972.4(SBF1):c.3908A>G (p.Lys1303Arg)

Gene: SBF1 (SET binding factor 1; minus strand). Cytogenetic location: 22q13.33.
Variant type: single nucleotide variant.
Coding change: c.3908A>G on transcript NM_002972.4 (MANE Select); coding-DNA position 3908, A replaced by G.
Protein change: p.Lys1303Arg; replaces lysine 1303 with arginine.
Molecular consequence: missense variant.
Genome position (GRCh38, 1-based): chr22:50,456,670, T>C on the plus strand (A>G on the coding strand, the complement: SBF1 is on the minus strand). VCF-style: chr22-50456670-T-C. GRCh37 (hg19) VCF-style: chr22-50895099-T-C.
Other names: c.3833A>G, p.Lys1278Arg (NM_001365819.1); c.3911A>G, p.Lys1304Arg (NM_001410794.1); c.3830A>G, p.Lys1277Arg (NM_001410795.1); short protein forms K1304R, K1303R, K1277R, K1278R.
Identifiers: ClinVar variation 4997756 (VCV004997756.1).
Genomic context (GRCh38, chr22:50,456,670, plus strand): 5'-CGGGAGCCCACATCGGTGCCAAGGCCACTGCTGCGTCCACTGGTCCGGACACTGCCCCAC[T>C]TACCTGTGAAGGAGATGCCAGGTAAGCACCCAAAGGGGGCCAGGGCACCACTTACCTGGG-3'
Protein context (NP_002963.2, residues 1293-1313): SASRRTAPRG[Lys1303Arg]WGSVRTSGRS

ClinVar aggregate classification (germline): Uncertain significance (1 of 4 stars; one submission).

Conditions:
SBF1-related disorder. Also called: SBF1-related condition.

gnomAD v4.1: 4 of 1,472,956 alleles (0.00027%); highest among the groups gnomAD compares: East Asian, 0.0049%; no homozygotes.

Submission:

PreventionGenetics, part of Exact Sciences
Classification: Uncertain significance for SBF1-related condition. Last evaluated: 2024-11-20. Review status: criteria provided, single submitter. Criteria: ACMG Guidelines, 2015. Collection method: clinical testing. Allele origin: germline.
Comment: The SBF1 c.3908A>G variant is predicted to result in the amino acid substitution p.Lys1303Arg. To our knowledge, this variant has not been reported in the literature. This variant is reported in 0.0022% of alleles in individuals of European (Non-Finnish) descent in gnomAD. At this time, the clinical significance of this variant is uncertain due to the absence of conclusive functional and genetic evidence.